The following is an entry in ClinVar:

NM_000038.6(APC):c.6981C>A (p.Asn2327Lys)

Gene: APC (APC regulator of Wnt signaling pathway; plus strand). Cytogenetic location: 5q22.2.
Variant type: single nucleotide variant.
Coding change: c.6981C>A on transcript NM_000038.6 (MANE Select); coding-DNA position 6981, C replaced by A.
Protein change: p.Asn2327Lys; replaces asparagine 2327 with lysine.
Molecular consequence: missense variant.
Genome position (GRCh38, 1-based): chr5:112,842,575, C>A. VCF-style: chr5-112842575-C-A. GRCh37 (hg19) VCF-style: chr5-112178272-C-A.
Other names: c.6981C>A, p.Asn2327Lys (NM_001127510.3, NM_001354895.2); c.6927C>A, p.Asn2309Lys (NM_001127511.3); c.7035C>A, p.Asn2345Lys (NM_001354896.2); c.7011C>A, p.Asn2337Lys (NM_001354897.2); c.6906C>A, p.Asn2302Lys (NM_001354898.2); c.6897C>A, p.Asn2299Lys (NM_001354899.2); c.6858C>A, p.Asn2286Lys (NM_001354900.2); c.6804C>A, p.Asn2268Lys (NM_001354901.2); and 5 more; short protein forms N2044K, N2167K, N2201K, N2226K, N2236K, N2268K, N2286K, N2299K.
Identifiers: ClinVar variation 1320686 (VCV001320686.9), dbSNP rs950286984, ClinGen allele CA16036550.

ClinVar aggregate classification (germline): Uncertain significance. Review status: criteria provided, multiple submitters, no conflicts (2 of 4 stars). 2 submissions from 2 submitters: Uncertain significance (2). Last evaluated 2021-05-06.

Conditions:
Familial adenomatous polyposis 1 (FAP1). Also called: POLYPOSIS, ADENOMATOUS INTESTINAL; FAMILIAL ADENOMATOUS POLYPOSIS 1, ATTENUATED. Identifiers: MedGen C2713442, MONDO:0021056, OMIM 175100. Disease mechanism: loss of function.

Submissions (2):

GeneDx
Classification: Uncertain significance. Last evaluated: 2021-05-06. Review status: criteria provided, single submitter. Criteria: GeneDx Variant Classification Process June 2021. Collection method: clinical testing. Allele origin: germline. Affected: yes.
Comment: Not observed in large population cohorts (Lek 2016); In silico analysis supports that this missense variant does not alter protein structure/function; Has not been previously published as pathogenic or benign to our knowledge

Labcorp Genetics (formerly Invitae), Labcorp
Classification: Uncertain significance for Familial adenomatous polyposis 1. Last evaluated: 2020-12-13. Review status: criteria provided, single submitter. Criteria: Invitae Variant Classification Sherloc (09022015). Collection method: clinical testing. Allele origin: germline.
Comment: In summary, the available evidence is currently insufficient to determine the role of this variant in disease. Therefore, it has been classified as a Variant of Uncertain Significance. Algorithms developed to predict the effect of missense changes on protein structure and function (SIFT, PolyPhen-2, Align-GVGD) all suggest that this variant is likely to be tolerated, but these predictions have not been confirmed by published functional studies and their clinical significance is uncertain. This variant has not been reported in the literature in individuals with APC-related conditions. This variant is not present in population databases (ExAC no frequency). This sequence change replaces asparagine with lysine at codon 2327 of the APC protein (p.Asn2327Lys). The asparagine residue is moderately conserved and there is a moderate physicochemical difference between asparagine and lysine.